The following is an entry in ClinVar:

ClinVar aggregate classification (germline): Uncertain significance (1 of 4 stars; one submission).

Conditions:
Tuberous sclerosis 1 (TSC1). Identifiers: Orphanet 805, MedGen C1854465, MONDO:0008612, OMIM 191100.

Submission:

Labcorp Genetics (formerly Invitae), Labcorp
Classification: Uncertain significance for Tuberous sclerosis 1. Last evaluated: 2020-09-02. Review status: criteria provided, single submitter. Criteria: Invitae Variant Classification Sherloc (09022015). Collection method: clinical testing. Allele origin: germline.
Comment: In summary, the available evidence is currently insufficient to determine the role of this variant in disease. Therefore, it has been classified as a Variant of Uncertain Significance. Algorithms developed to predict the effect of missense changes on protein structure and function are either unavailable or do not agree on the potential impact of this missense change (SIFT: "Deleterious"; PolyPhen-2: "Benign"; Align-GVGD: "Class C0"). This variant has not been reported in the literature in individuals with TSC1-related conditions. This variant is not present in population databases (ExAC no frequency). This sequence change replaces glutamine with histidine at codon 897 of the TSC1 protein (p.Gln897His). The glutamine residue is highly conserved and there is a small physicochemical difference between glutamine and histidine.

NM_000368.5(TSC1):c.2691G>T (p.Gln897His)

Gene: TSC1 (TSC complex subunit 1; minus strand). Cytogenetic location: 9q34.13.
Variant type: single nucleotide variant.
Coding change: c.2691G>T on transcript NM_000368.5 (MANE Select); coding-DNA position 2691, G replaced by T.
Protein change: p.Gln897His; replaces glutamine 897 with histidine.
Molecular consequence: missense variant.
Genome position (GRCh38, 1-based): chr9:132,897,545, C>A on the plus strand (G>T on the coding strand, the complement: TSC1 is on the minus strand). VCF-style: chr9-132897545-C-A. GRCh37 (hg19) VCF-style: chr9-135772932-C-A.
Other names: c.2688G>T, p.Gln896His (NM_001162426.2); c.2538G>T, p.Gln846His (NM_001162427.2); c.2328G>T, p.Gln776His (NM_001362177.2); short protein forms Q846H, Q776H, Q897H, Q896H.
Identifiers: ClinVar variation 1037847 (VCV001037847.8), dbSNP rs372915963, ClinGen allele CA375369460.